The following is an entry in ClinVar:

NM_000551.4(VHL):c.103G>A (p.Ala35Thr)

Gene: VHL (von Hippel-Lindau tumor suppressor; plus strand). Cytogenetic location: 3p25.3.
Variant type: single nucleotide variant.
Coding change: c.103G>A on transcript NM_000551.4 (MANE Select); coding-DNA position 103, G replaced by A.
Protein change: p.Ala35Thr; replaces alanine 35 with threonine.
Molecular consequence: missense variant.
Genome position (GRCh38, 1-based): chr3:10,141,950, G>A. VCF-style: chr3-10141950-G-A. GRCh37 (hg19) VCF-style: chr3-10183634-G-A.
Other names: c.103G>A, p.Ala35Thr (NM_001354723.2, NM_198156.3); short protein forms A35T.
Identifiers: ClinVar variation 809419 (VCV000809419.50), dbSNP rs1405360663, ClinGen allele CA351747691.

ClinVar aggregate classification (germline): Conflicting classifications of pathogenicity. Review status: criteria provided, conflicting classifications (1 of 4 stars). 4 submissions from 4 submitters: Uncertain significance (3); Likely benign (1). Last evaluated 2026-03-02.

Conditions:
Von Hippel-Lindau syndrome (VHLS). Also called: von Hippel–Lindau syndrome; VHL syndrome; Von Hippel-Lindau. Identifiers: Orphanet 892, MedGen C0019562, MONDO:0008667, OMIM 193300. Disease mechanism: loss of function.
Chuvash polycythemia. Also called: POLYCYTHEMIA, VHL-DEPENDENT. Identifiers: Orphanet 238557, MedGen C1837915, MONDO:0009892, OMIM 263400.
Hereditary cancer-predisposing syndrome. Also called: Tumor predisposition; Hereditary neoplastic syndrome; Neoplastic Syndromes, Hereditary; Hereditary Cancer Syndrome. Identifiers: Orphanet 140162, MedGen C0027672, MeSH D009386, MONDO:0015356.

Allele frequency attached by ClinVar (database versions not stated): gnomAD exomes below 0.00001.

Submissions (4):

Ambry Genetics
Classification: Likely benign for Hereditary cancer-predisposing syndrome. Last evaluated: 2026-03-02. Review status: criteria provided, single submitter. Criteria: Ambry Variant Classification Scheme 2023. Collection method: clinical testing. Allele origin: germline.

Labcorp Genetics (formerly Invitae), Labcorp
Classification: Uncertain significance for Von Hippel-Lindau syndrome; Chuvash polycythemia. Last evaluated: 2024-05-23. Review status: criteria provided, single submitter. Criteria: Invitae Variant Classification Sherloc (09022015). Collection method: clinical testing. Allele origin: germline.
Comment: This sequence change replaces alanine, which is neutral and non-polar, with threonine, which is neutral and polar, at codon 35 of the VHL protein (p.Ala35Thr). This variant is not present in population databases (gnomAD no frequency). This variant has not been reported in the literature in individuals affected with VHL-related conditions. ClinVar contains an entry for this variant (Variation ID: 809419). Advanced modeling of protein sequence and biophysical properties (such as structural, functional, and spatial information, amino acid conservation, physicochemical variation, residue mobility, and thermodynamic stability) performed at Invitae indicates that this missense variant is not expected to disrupt VHL protein function with a negative predictive value of 95%. In summary, the available evidence is currently insufficient to determine the role of this variant in disease. Therefore, it has been classified as a Variant of Uncertain Significance.

All of Us Research Program, National Institutes of Health
Classification: Uncertain significance for Von Hippel-Lindau syndrome. Last evaluated: 2023-03-28. Review status: criteria provided, single submitter. Criteria: ACMG Guidelines, 2015. Collection method: clinical testing. Allele origin: germline. Inheritance: Autosomal dominant inheritance. Observed: 1 variant allele, 1 heterozygote.
Comment: This study involves interpretation of variants in research participants for the purpose of population health screening. Participant phenotype was not available at the time of variant classification. Additional details can be found in publication PMID: 35346344, PMCID: PMC8962531

CeGaT Center for Human Genetics Tuebingen
Classification: Uncertain significance. Last evaluated: 2016-05-01. Review status: criteria provided, single submitter. Criteria: CeGaT Center For Human Genetics Tuebingen Variant Classification Criteria Version 2. Collection method: clinical testing. Allele origin: germline. Affected: yes. Observed: 1 variant allele.